The following is an entry in ClinVar:

NM_006269.2(RP1):c.2072del (p.Ala691fs)

Gene: RP1 (RP1 axonemal microtubule associated; plus strand). Cytogenetic location: 8q12.1.
Variant type: Deletion.
Coding change: c.2072del on transcript NM_006269.2 (MANE Select); coding-DNA position 2072, one base deleted (C; older notation c.2072delC).
Protein change: p.Ala691fs; shifts the reading frame from alanine 691.
Molecular consequence: frameshift variant. On other transcripts: intron variant (1).
Genome position (GRCh38, 1-based): chr8:54,625,954, C deleted. VCF-style (leftmost placement, unchanged base first): chr8-54625953-GC-G. GRCh37 (hg19) VCF-style: chr8-55538513-GC-G.
Other names: c.787+3666del (NM_001375654.1); short protein forms A691fs.
Identifiers: ClinVar variation 1385798 (VCV001385798.8), dbSNP rs2129316413, ClinGen allele CA2573143219.

ClinVar aggregate classification (germline): Pathogenic (1 of 4 stars; one submission).

Submission:

Labcorp Genetics (formerly Invitae), Labcorp
Classification: Pathogenic. Last evaluated: 2021-04-16. Review status: criteria provided, single submitter. Criteria: Invitae Variant Classification Sherloc (09022015). Collection method: clinical testing. Allele origin: germline.
Comment: For these reasons, this variant has been classified as Pathogenic. This variant disrupts the C-terminus of the RP1 protein. Many variants that disrupt this region have been reported in individuals with either autosomal dominant or autosomal recessive retinitis pigmentosa (PMID: 11527933, 19933189, 29425069, 30027431). Therefore, variants that disrupt this region are expected to be disease-causing. This variant has not been reported in the literature in individuals with RP1-related conditions. This variant is not present in population databases (ExAC no frequency). This sequence change creates a premature translational stop signal (p.Ala691Glufs*12) in the RP1 gene. While this is not anticipated to result in nonsense mediated decay, it is expected to disrupt the last 1466 amino acid(s) of the RP1 protein.

Literature cited by the submitters: PubMed 11527933; PubMed 19933189; PubMed 29425069; PubMed 30027431.